The following is an entry in ClinVar:

ClinVar aggregate classification (germline): Pathogenic. Review status: criteria provided, single submitter (1 of 4 stars). 2 submissions from 2 submitters: Pathogenic (1). 1 of the submissions does not count toward it. Last evaluated 2023-09-26.

Conditions:
Glycine encephalopathy. Also called: Non-ketotic hyperglycinemia; Nonketotic hyperglycinemia. Identifiers: Orphanet 407, MedGen C0751748, MONDO:0011612, HP:0008288.
Glycine encephalopathy 1 (GCE1). Identifiers: MedGen CN376801, MONDO:0958179, OMIM 605899.

Allele frequency attached by ClinVar (database versions not stated): gnomAD exomes below 0.00001; TOPMed below 0.00001; ExAC 0.00001; gnomAD 0.00001; ESP Exome Variant Server 0.00008.
gnomAD v4.1: 4 of 1,602,294 alleles (0.00025%); highest among the groups gnomAD compares: Non-Finnish European, 0.00034%; no homozygotes.

Submissions (2):

Labcorp Genetics (formerly Invitae), Labcorp
Classification: Pathogenic for Glycine encephalopathy. Last evaluated: 2023-09-26. Review status: criteria provided, single submitter. Criteria: Invitae Variant Classification Sherloc (09022015). Collection method: clinical testing. Allele origin: germline.
Comment: For these reasons, this variant has been classified as Pathogenic. Algorithms developed to predict the effect of sequence changes on RNA splicing suggest that this variant may disrupt the consensus splice site. ClinVar contains an entry for this variant (Variation ID: 554507). This premature translational stop signal has been observed in individual(s) with glycine encephalopathy (PMID: 27362913). In at least one individual the data is consistent with being in trans (on the opposite chromosome) from a pathogenic variant. This variant is present in population databases (rs373618804, gnomAD 0.0009%). This sequence change creates a premature translational stop signal (p.Lys773*) in the GLDC gene. It is expected to result in an absent or disrupted protein product. Loss-of-function variants in GLDC are known to be pathogenic (PMID: 16601880).

Counsyl
Classification: Likely pathogenic for Glycine encephalopathy 1. Last evaluated: 2017-10-24. Review status: no assertion criteria provided. Collection method: clinical testing. Allele origin: unknown. Not counted in ClinVar's aggregate classification.

Literature cited by the submitters: PubMed 27362913 (cited by Labcorp Genetics (formerly Invitae), Labcorp and Counsyl); PubMed 16601880 (cited by Labcorp Genetics (formerly Invitae), Labcorp).

NM_000170.3(GLDC):c.2317A>T (p.Lys773Ter)

Gene: GLDC (glycine decarboxylase; minus strand). Cytogenetic location: 9p24.1.
Variant type: single nucleotide variant.
Coding change: c.2317A>T on transcript NM_000170.3 (MANE Select); coding-DNA position 2317, A replaced by T.
Protein change: p.Lys773Ter; replaces lysine 773 with a stop codon.
Molecular consequence: nonsense.
Genome position (GRCh38, 1-based): chr9:6,553,508, T>A on the plus strand (A>T on the coding strand, the complement: GLDC is on the minus strand). VCF-style: chr9-6553508-T-A. GRCh37 (hg19) VCF-style: chr9-6553508-T-A.
Other names: short protein forms K773*.
Identifiers: ClinVar variation 554507 (VCV000554507.7), dbSNP rs373618804, ClinGen allele CA4980262.
Genomic context (GRCh38, chr9:6,553,508, plus strand): 5'-CCTCATTCCGCTTTAGTGAAATGACGGGATGATTGGGCAAAAACGGGGCGAGATGTTTCT[T>A]CCTGTATTTTTTTTAAGTGCAAATTCAGAAAATGTAAACGATTCAGTTTAATCTAATGGG-3'